The following is an entry in ClinVar:

ClinVar aggregate classification (germline): Uncertain significance (1 of 4 stars; one submission).

Submission:

GeneDx
Classification: Uncertain significance. Last evaluated: 2023-02-24. Review status: criteria provided, single submitter. Criteria: GeneDx Variant Classification Process June 2021. Collection method: clinical testing. Allele origin: germline. Affected: yes.
Comment: Not observed at significant frequency in large population cohorts (gnomAD); In silico analysis supports that this missense variant has a deleterious effect on protein structure/function; Has not been previously published as pathogenic or benign to our knowledge; Variants in candidate genes are classified as variants of uncertain significance in accordance with ACMG guidelines (Richards et al., 2015)

NM_030624.3(KLHL15):c.334C>G (p.Gln112Glu)

Gene: KLHL15 (kelch like family member 15; minus strand). Cytogenetic location: Xp22.11.
Variant type: single nucleotide variant.
Coding change: c.334C>G on transcript NM_030624.3 (MANE Select); coding-DNA position 334, C replaced by G.
Protein change: p.Gln112Glu; replaces glutamine 112 with glutamic acid.
Molecular consequence: missense variant.
Genome position (GRCh38, 1-based): chrX:24,006,360, G>C on the plus strand (C>G on the coding strand, the complement: KLHL15 is on the minus strand). VCF-style: chrX-24006360-G-C. GRCh37 (hg19) VCF-style: chrX-24024477-G-C.
Other names: short protein forms Q112E.
Identifiers: ClinVar variation 2577783 (VCV002577783.1), dbSNP rs2518541927, ClinGen allele CA412596603.